The following is an entry in ClinVar:

NM_015662.3(IFT172):c.3054C>T (p.Arg1018=)

Gene: IFT172 (intraflagellar transport 172; minus strand). Cytogenetic location: 2p23.3.
Variant type: single nucleotide variant.
Coding change: c.3054C>T on transcript NM_015662.3 (MANE Select); coding-DNA position 3054, C replaced by T.
Protein change: p.Arg1018=; no amino-acid change (arginine 1018 retained).
Molecular consequence: synonymous variant.
Genome position (GRCh38, 1-based): chr2:27,457,898, G>A on the plus strand (C>T on the coding strand, the complement: IFT172 is on the minus strand). VCF-style: chr2-27457898-G-A. GRCh37 (hg19) VCF-style: chr2-27680765-G-A.
Other names: c.2988C>T, p.Arg996= (NM_001410739.1); c.3054C>T (NM_015662.2).
Identifiers: ClinVar variation 2141374 (VCV002141374.7), dbSNP rs1411545534, ClinGen allele CA425402490.
Genomic context (GRCh38, chr2:27,457,898, plus strand): 5'-CACCTTGCCCAGATGTAGGTGTGTATCACTGAGGAGATCTGGATGGTGCTTCCCTACCAG[G>A]CGGATCATGTCATCATACAACTTGTGCTTTTTGTACATGGTGATGGCAAGATCAGGCTCT-3'
Protein context (NP_056477.1, residues 1008-1028): KKHKLYDDMI[Arg1018=]LVGKHHPDLL

ClinVar aggregate classification (germline): Likely benign. Review status: criteria provided, multiple submitters, no conflicts (2 of 4 stars). 3 submissions from 3 submitters: Likely benign (2). 1 of the submissions does not count toward it. Last evaluated 2022-06-30.

Conditions:
IFT172-related disorder. Also called: IFT172-related condition; IFT172-related disorders.
Short-rib thoracic dysplasia 10 with or without polydactyly (SRTD10). Identifiers: Orphanet 474, MedGen C3810175, MONDO:0014284, OMIM 615630.
Retinitis pigmentosa 71 (RP71). Identifiers: Orphanet 791, MedGen C4225342, MONDO:0014618, OMIM 616394.

gnomAD v4.1: 15 of 1,614,138 alleles (0.00093%); highest among the groups gnomAD compares: Non-Finnish European, 0.0013%; no homozygotes.

Submissions (3):

Labcorp Genetics (formerly Invitae), Labcorp
Classification: Likely benign for Retinitis pigmentosa 71; Short-rib thoracic dysplasia 10 with or without polydactyly. Last evaluated: 2022-06-30. Review status: criteria provided, single submitter. Criteria: Invitae Variant Classification Sherloc (09022015). Collection method: clinical testing. Allele origin: germline.

Blueprint Genetics
Classification: Likely benign. Last evaluated: 2021-05-24. Review status: criteria provided, single submitter. Criteria: ACMG Guidelines, 2015. Collection method: clinical testing. Allele origin: germline.

PreventionGenetics, part of Exact Sciences
Classification: Likely benign for IFT172-related condition. Last evaluated: 2021-11-30. Review status: no assertion criteria provided. Collection method: clinical testing. Allele origin: germline. Not counted in ClinVar's aggregate classification.
Comment: This variant is classified as likely benign based on ACMG/AMP sequence variant interpretation guidelines (Richards et al. 2015 PMID: 25741868, with internal and published modifications).